The following is an entry in ClinVar:

NM_014244.5(ADAMTS2):c.2893G>A (p.Glu965Lys)

Gene: ADAMTS2 (ADAM metallopeptidase with thrombospondin type 1 motif 2; minus strand). Cytogenetic location: 5q35.3.
Variant type: single nucleotide variant.
Coding change: c.2893G>A on transcript NM_014244.5 (MANE Select); coding-DNA position 2893, G replaced by A.
Protein change: p.Glu965Lys; replaces glutamic acid 965 with lysine.
Molecular consequence: missense variant.
Genome position (GRCh38, 1-based): chr5:179,125,038, C>T on the plus strand (G>A on the coding strand, the complement: ADAMTS2 is on the minus strand). VCF-style: chr5-179125038-C-T. GRCh37 (hg19) VCF-style: chr5-178552039-C-T.
Other names: p.Glu965Lys; short protein forms E965K.
Identifiers: ClinVar variation 469674 (VCV000469674.54), dbSNP rs144138766, ClinGen allele CA3595380.

ClinVar aggregate classification (germline): Conflicting classifications of pathogenicity. Review status: criteria provided, conflicting classifications (1 of 4 stars). 9 submissions from 9 submitters: Uncertain significance (2); Likely benign (6). 1 of the submissions does not count toward it. Last evaluated 2026-06-09.

Conditions:
ADAMTS2-related disorder. Also called: ADAMTS2-related condition.
Ehlers-Danlos syndrome, dermatosparaxis type. Also called: Ehlers-Danlos syndrome, type VII, autosomal recessive; Dermatosparaxis; EDS VIIC. Identifiers: Orphanet 1901, MedGen C2700425, MONDO:0009161, OMIM 225410.
Inborn genetic diseases. Identifiers: MedGen C0950123, MeSH D030342.

Allele frequency attached by ClinVar (database versions not stated): gnomAD exomes 0.00037 and 0.00094; TOPMed 0.00056; ExAC 0.00083; 1000 Genomes Project 0.00020; gnomAD 0.00021; 1000 Genomes Project 30x 0.00031; ESP Exome Variant Server 0.00031.
gnomAD v4.1: 551 of 1,608,298 alleles (0.034%); highest among the groups gnomAD compares: Admixed American, 0.41%; 1 homozygote.

Submissions (9):

Women's Health and Genetics/Laboratory Corporation of America, LabCorp
Classification: Likely benign. Last evaluated: 2026-06-09. Review status: criteria provided, single submitter. Criteria: LabCorp Variant Classification Summary - May 2015. Collection method: clinical testing. Allele origin: germline.
Comment: Variant summary: ADAMTS2 c.2893G>A (p.Glu965Lys) results in a conservative amino acid change in the encoded protein sequence. Algorithms developed to predict the effect of missense changes on protein structure and function are either unavailable or do not agree on the potential impact of this missense change. The variant allele was found at a frequency of 0.00094 in 247778 control chromosomes, predominantly at a frequency of 0.0058 within the Latino subpopulation in the gnomAD database, including 1 homozygote. The observed variant frequency within Latino control individuals in the gnomAD database exceeds the estimated maximal expected allele frequency for disease-causing variants in ADAMTS2. To our knowledge, no occurrence of c.2893G>A in individuals affected with ADAMTS2-related conditions and no experimental evidence demonstrating its impact on protein function have been reported. ClinVar contains an entry for this variant (Variation ID: 469674). Based on the evidence outlined above, the variant was classified as likely benign.

Labcorp Genetics (formerly Invitae), Labcorp
Classification: Likely benign for Ehlers-Danlos syndrome, dermatosparaxis type. Last evaluated: 2026-01-27. Review status: criteria provided, single submitter. Criteria: Invitae Variant Classification Sherloc (09022015). Collection method: clinical testing. Allele origin: germline.

Mayo Clinic Laboratories, Mayo Clinic
Classification: Likely benign. Last evaluated: 2025-09-11. Review status: criteria provided, single submitter. Criteria: ACMG Guidelines, 2015. Collection method: clinical testing. Allele origin: germline. Observed: 2 variant alleles.
Comment: BS1, BP1

Blueprint Genetics
Classification: Likely benign. Last evaluated: 2024-04-23. Review status: criteria provided, single submitter. Criteria: ACMG Guidelines, 2015. Collection method: clinical testing. Allele origin: germline.

Ambry Genetics
Classification: Uncertain significance for Inborn genetic diseases. Last evaluated: 2024-01-08. Review status: criteria provided, single submitter. Criteria: Ambry Variant Classification Scheme 2023. Collection method: clinical testing. Allele origin: germline.

Revvity Omics, Revvity
Classification: Uncertain significance for Ehlers-Danlos syndrome, dermatosparaxis type. Last evaluated: 2022-04-25. Review status: criteria provided, single submitter. Criteria: ACMG Guidelines, 2015. Collection method: clinical testing. Allele origin: germline.

CeGaT Center for Human Genetics Tuebingen
Classification: Likely benign. Last evaluated: 2022-01-01. Review status: criteria provided, single submitter. Criteria: CeGaT Center For Human Genetics Tuebingen Variant Classification Criteria Version 2. Collection method: clinical testing. Allele origin: germline. Affected: yes. Observed: 1 variant allele.

GeneDx
Classification: Likely benign. Last evaluated: 2021-05-05. Review status: criteria provided, single submitter. Criteria: GeneDx Variant Classification Process June 2021. Collection method: clinical testing. Allele origin: germline. Affected: yes.

PreventionGenetics, part of Exact Sciences
Classification: Likely benign for ADAMTS2-related condition. Last evaluated: 2019-06-18. Review status: no assertion criteria provided. Collection method: clinical testing. Allele origin: germline. Not counted in ClinVar's aggregate classification.
Comment: This variant is classified as likely benign based on ACMG/AMP sequence variant interpretation guidelines (Richards et al. 2015 PMID: 25741868, with internal and published modifications).